The following is an entry in ClinVar:

NM_002474.3(MYH11):c.5471C>T (p.Ala1824Val)

Genes: MYH11 (myosin heavy chain 11; minus strand), NDE1 (nudE neurodevelopment protein 1; plus strand). Cytogenetic location: 16p13.11.
Variant type: single nucleotide variant.
Coding change: c.5471C>T on transcript NM_002474.3 (MANE Select); coding-DNA position 5471, C replaced by T.
Protein change: p.Ala1824Val; replaces alanine 1824 with valine.
Molecular consequence: missense variant. On other transcripts: intron variant (2).
Genome position (GRCh38, 1-based): chr16:15,717,173, G>A on the plus strand (C>T on the coding strand, the complement: MYH11 is on the minus strand). VCF-style: chr16-15717173-G-A. GRCh37 (hg19) VCF-style: chr16-15811030-G-A.
Other names: c.5492C>T, p.Ala1831Val (NM_001040113.2, NM_001040114.2); c.5471C>T, p.Ala1824Val (NM_022844.3); c.948-7018G>A (NM_001143979.2, NM_017668.3); short protein forms A1824V, A1831V.
Identifiers: ClinVar variation 2574944 (VCV002574944.1), dbSNP rs1596704264, ClinGen allele CA394848826.
Genomic context (GRCh38, chr16:15,717,173, plus strand): 5'-TGGGTTCGGAACTCCACACCCGCATACCTGGCCTCCTGCTCGACCTGCTCCTCCAGCTGT[G>A]CAATCTTGGCCTCCAGCGCCGCGATGGTGGACTTGAACTTGGACTTGACGGCCCCCTCCA-3'
Protein context (NP_002465.1, residues 1814-1834): STIAALEAKI[Ala1824Val]QLEEQVEQEA

ClinVar aggregate classification (germline): Uncertain significance (1 of 4 stars; one submission).

gnomAD v4.1: 4 of 1,614,210 alleles (0.00025%); highest among the groups gnomAD compares: Non-Finnish European, 0.00034%; no homozygotes.

Submission:

GeneDx
Classification: Uncertain significance. Last evaluated: 2023-02-06. Review status: criteria provided, single submitter. Criteria: GeneDx Variant Classification Process June 2021. Collection method: clinical testing. Allele origin: germline. Affected: yes.
Comment: Has not been previously published as pathogenic or benign to our knowledge; Not observed at significant frequency in large population cohorts (gnomAD); In silico analysis supports that this missense variant has a deleterious effect on protein structure/function